The following is an entry in ClinVar:

NM_000257.4(MYH7):c.732+5G>C

Gene: MYH7 (myosin heavy chain 7; minus strand). Cytogenetic location: 14q11.2.
Variant type: single nucleotide variant.
Coding change: c.732+5G>C on transcript NM_000257.4 (MANE Select); 5 bases into the intron after coding-DNA position 732, G replaced by C.
Molecular consequence: intron variant.
Genome position (GRCh38, 1-based): chr14:23,431,580, C>G on the plus strand (G>C on the coding strand, the complement: MYH7 is on the minus strand). VCF-style: chr14-23431580-C-G. GRCh37 (hg19) VCF-style: chr14-23900789-C-G.
Identifiers: ClinVar variation 836910 (VCV000836910.7), dbSNP rs1892941646, ClinGen allele CA916081718.

ClinVar aggregate classification (germline): Uncertain significance (1 of 4 stars; one submission).

Conditions:
Hypertrophic cardiomyopathy. Also called: HYPERTROPHIC MYOCARDIOPATHY. Identifiers: Orphanet 217569, MedGen C0007194, MeSH D002312, MONDO:0005045, HP:0001639.

Submission:

Labcorp Genetics (formerly Invitae), Labcorp
Classification: Uncertain significance for Hypertrophic cardiomyopathy. Last evaluated: 2019-12-03. Review status: criteria provided, single submitter. Criteria: Invitae Variant Classification Sherloc (09022015). Collection method: clinical testing. Allele origin: germline.
Comment: In summary, the available evidence is currently insufficient to determine the role of this variant in disease. Therefore, it has been classified as a Variant of Uncertain Significance. Nucleotide substitutions within the consensus splice site are a relatively common cause of aberrant splicing (PMID: 17576681, 9536098). Algorithms developed to predict the effect of sequence changes on RNA splicing suggest that this variant may disrupt the consensus splice site, but this prediction has not been confirmed by published transcriptional studies. This variant has not been reported in the literature in individuals with MYH7-related conditions. This variant is not present in population databases (ExAC no frequency). This sequence change falls in intron 8 of the MYH7 gene. It does not directly change the encoded amino acid sequence of the MYH7 protein, but it affects a nucleotide within the consensus splice site of the intron.

Literature cited by the submitters: PubMed 17576681; PubMed 9536098.